The following is an entry in ClinVar:

ClinVar aggregate classification (germline): Uncertain significance (1 of 4 stars; one submission).

Allele frequency attached by ClinVar (database versions not stated): gnomAD 0.00002; TOPMed 0.00002; gnomAD exomes 0.00001.
gnomAD v4.1: 12 of 1,614,056 alleles (0.00074%); highest among the groups gnomAD compares: Admixed American, 0.0017%; no homozygotes.

Submission:

Labcorp Genetics (formerly Invitae), Labcorp
Classification: Uncertain significance. Last evaluated: 2025-11-24. Review status: criteria provided, single submitter. Criteria: Invitae Variant Classification Sherloc (09022015). Collection method: clinical testing. Allele origin: germline.
Comment: This sequence change replaces arginine, which is basic and polar, with tryptophan, which is neutral and slightly polar, at codon 317 of the ACTN1 protein (p.Arg317Trp). This variant is present in population databases (no rsID available, gnomAD 0.002%). This variant has not been reported in the literature in individuals affected with ACTN1-related conditions. ClinVar contains an entry for this variant (Variation ID: 1963572). Invitae Evidence Modeling of protein sequence and biophysical properties (such as structural, functional, and spatial information, amino acid conservation, physicochemical variation, residue mobility, and thermodynamic stability) indicates that this missense variant is expected to disrupt ACTN1 protein function with a positive predictive value of 80%. In summary, the available evidence is currently insufficient to determine the role of this variant in disease. Therefore, it has been classified as a Variant of Uncertain Significance.

NM_001130004.2(ACTN1):c.949C>T (p.Arg317Trp)

Gene: ACTN1 (actinin alpha 1; minus strand). Cytogenetic location: 14q24.1.
Variant type: single nucleotide variant.
Coding change: c.949C>T on transcript NM_001130004.2 (MANE Select); coding-DNA position 949, C replaced by T.
Protein change: p.Arg317Trp; replaces arginine 317 with tryptophan.
Molecular consequence: missense variant.
Genome position (GRCh38, 1-based): chr14:68,892,190, G>A on the plus strand (C>T on the coding strand, the complement: ACTN1 is on the minus strand). VCF-style: chr14-68892190-G-A. GRCh37 (hg19) VCF-style: chr14-69358907-G-A.
Other names: c.949C>T, p.Arg317Trp (NM_001102.4, NM_001130005.2, NM_001411035.1); c.754C>T, p.Arg252Trp (NM_001411036.1); short protein forms R317W, R252W.
Identifiers: ClinVar variation 1963572 (VCV001963572.5), dbSNP rs979778183, ClinGen allele CA390188582.